The following is an entry in ClinVar:

ClinVar aggregate classification (germline): Conflicting classifications of pathogenicity. Review status: criteria provided, conflicting classifications (1 of 4 stars). 2 submissions from 2 submitters: Uncertain significance (1); Likely benign (1). Last evaluated 2023-09-26.

Allele frequency attached by ClinVar (database versions not stated): ExAC 0.00001.
gnomAD v4.1: 2 of 1,612,564 alleles (0.00012%); highest among the groups gnomAD compares: East Asian, 0.0045%; no homozygotes.

Submissions (2):

Labcorp Genetics (formerly Invitae), Labcorp
Classification: Likely benign. Last evaluated: 2023-09-26. Review status: criteria provided, single submitter. Criteria: Invitae Variant Classification Sherloc (09022015). Collection method: clinical testing. Allele origin: germline.

Women's Health and Genetics/Laboratory Corporation of America, LabCorp
Classification: Uncertain significance. Last evaluated: 2023-08-29. Review status: criteria provided, single submitter. Criteria: LabCorp Variant Classification Summary - May 2015. Collection method: clinical testing. Allele origin: germline.
Comment: Variant summary: ADGRV1 c.13048T>C (p.Ser4350Pro) results in a non-conservative amino acid change located in the Na-Ca exchanger/integrin-beta4 domain of the encoded protein sequence. Three of five in-silico tools predict a benign effect of the variant on protein function. The variant allele was found at a frequency of 4e-06 in 248172 control chromosomes (gnomAD). The available data on variant occurrences in the general population are insufficient to allow any conclusion about variant significance. c.13048T>C has been reported in the literature in at least one individual affected with Usher Syndrome (Jiang_2015). The report does not provide unequivocal conclusions about association of the variant with Usher Syndrome. To our knowledge, no experimental evidence demonstrating an impact on protein function has been reported. The following publications have been ascertained in the context of this evaluation (PMID: 31964843, 26338283, 35870892, 35813073). No submitters have cited clinical-significance assessments for this variant to ClinVar after 2014. Based on the evidence outlined above, the variant was classified as uncertain significance.

Literature cited by the submitters: PubMed 26338283 (cited by Women's Health and Genetics/Laboratory Corporation of America, LabCorp); PubMed 35813073 (cited by Women's Health and Genetics/Laboratory Corporation of America, LabCorp); PubMed 31964843 (cited by Women's Health and Genetics/Laboratory Corporation of America, LabCorp); PubMed 35870892 (cited by Women's Health and Genetics/Laboratory Corporation of America, LabCorp).

NM_032119.4(ADGRV1):c.13048T>C (p.Ser4350Pro)

Gene: ADGRV1 (adhesion G protein-coupled receptor V1; plus strand). Cytogenetic location: 5q14.3.
Variant type: single nucleotide variant.
Coding change: c.13048T>C on transcript NM_032119.4 (MANE Select); coding-DNA position 13048, T replaced by C.
Protein change: p.Ser4350Pro; replaces serine 4350 with proline.
Molecular consequence: missense variant. On other transcripts: non-coding transcript variant (1).
Genome position (GRCh38, 1-based): chr5:90,779,063, T>C. VCF-style: chr5-90779063-T-C. GRCh37 (hg19) VCF-style: chr5-90074880-T-C.
Other names: short protein forms S4350P.
Identifiers: ClinVar variation 1705194 (VCV001705194.6), dbSNP rs760285250, ClinGen allele CA3341411.